The following is an entry in ClinVar:

ClinVar aggregate classification (germline): Uncertain significance (1 of 4 stars; one submission).

Conditions:
Familial thoracic aortic aneurysm and aortic dissection (TAAD). Also called: Thoracic aortic aneurysms and dissections. Identifiers: Orphanet 91387, MedGen C4707243, MONDO:0019625.

Submission:

Ambry Genetics
Classification: Uncertain significance for Familial thoracic aortic aneurysm and aortic dissection. Last evaluated: 2026-07-02. Review status: criteria provided, single submitter. Criteria: Ambry Variant Classification Scheme 2023. Collection method: clinical testing. Allele origin: germline.
Comment: The p.E270K variant (also known as c.808G>A), located in coding exon 5 of the TGFBR2 gene, results from a G to A substitution at nucleotide position 808. The glutamic acid at codon 270 is replaced by lysine, an amino acid with similar properties. This amino acid position is conserved. In addition, the in silico prediction for this alteration is inconclusive. Based on the available evidence, the clinical significance of this variant remains unclear.

NM_003242.6(TGFBR2):c.733G>A (p.Glu245Lys)

Gene: TGFBR2 (transforming growth factor beta receptor 2; plus strand). Cytogenetic location: 3p24.1.
Variant type: single nucleotide variant.
Coding change: c.733G>A on transcript NM_003242.6 (MANE Select); coding-DNA position 733, G replaced by A.
Protein change: p.Glu245Lys; replaces glutamic acid 245 with lysine.
Molecular consequence: missense variant. On other transcripts: intron variant (1).
Genome position (GRCh38, 1-based): chr3:30,671,916, G>A. VCF-style: chr3-30671916-G-A. GRCh37 (hg19) VCF-style: chr3-30713408-G-A.
Other names: c.808G>A, p.Glu270Lys (NM_001024847.3); c.916G>A, p.Glu306Lys (NM_001407126.1); c.841G>A, p.Glu281Lys (NM_001407127.1); c.760G>A, p.Glu254Lys (NM_001407128.1); c.736G>A, p.Glu246Lys (NM_001407129.1); c.733G>A, p.Glu245Lys (NM_001407130.1); c.628G>A, p.Glu210Lys (NM_001407132.1, NM_001407133.1, NM_001407134.1 and 2 more transcripts); c.448G>A, p.Glu150Lys (NM_001407137.1); and 2 more; short protein forms E246K, E254K, E281K, E306K, E210K, E125K, E150K, E245K.
Identifiers: ClinVar variation 5030836 (VCV005030836.1).